The following is an entry in ClinVar:

NM_003239.5(TGFB3):c.1081G>T (p.Val361Leu)

Gene: TGFB3 (transforming growth factor beta 3; minus strand). Cytogenetic location: 14q24.3.
Variant type: single nucleotide variant.
Coding change: c.1081G>T on transcript NM_003239.5 (MANE Select); coding-DNA position 1081, G replaced by T.
Protein change: p.Val361Leu; replaces valine 361 with leucine.
Molecular consequence: missense variant.
Genome position (GRCh38, 1-based): chr14:75,959,345, C>A on the plus strand (G>T on the coding strand, the complement: TGFB3 is on the minus strand). VCF-style: chr14-75959345-C-A. GRCh37 (hg19) VCF-style: chr14-76425688-C-A.
Other names: c.1081G>T, p.Val361Leu (NM_001329939.2); short protein forms V361L.
Identifiers: ClinVar variation 2695571 (VCV002695571.3), dbSNP rs2504093849, ClinGen allele CA390467403.

ClinVar aggregate classification (germline): Uncertain significance (1 of 4 stars; one submission).

Conditions:
Rienhoff syndrome. Also called: LOEYS-DIETZ SYNDROME 5. Identifiers: MedGen C3810012, MONDO:0014262, OMIM 615582.

Submission:

Labcorp Genetics (formerly Invitae), Labcorp
Classification: Uncertain significance for Rienhoff syndrome. Last evaluated: 2023-11-13. Review status: criteria provided, single submitter. Criteria: Invitae Variant Classification Sherloc (09022015). Collection method: clinical testing. Allele origin: germline.
Comment: This sequence change replaces valine, which is neutral and non-polar, with leucine, which is neutral and non-polar, at codon 361 of the TGFB3 protein (p.Val361Leu). This variant is not present in population databases (gnomAD no frequency). This missense change has been observed in individual(s) with clinical features of TGFB3-related conditions (Invitae). An algorithm developed to predict the effect of missense changes on protein structure and function (PolyPhen-2) suggests that this variant is likely to be tolerated. Algorithms developed to predict the effect of sequence changes on RNA splicing suggest that this variant may disrupt the consensus splice site. In summary, the available evidence is currently insufficient to determine the role of this variant in disease. Therefore, it has been classified as a Variant of Uncertain Significance.